The following is an entry in ClinVar:

ClinVar aggregate classification (germline): Likely pathogenic (1 of 4 stars; one submission).

Conditions:
Usher syndrome type 1 (USH1). Also called: RETINITIS PIGMENTOSA AND CONGENITAL DEAFNESS. Identifiers: Orphanet 231169, Orphanet 886, MedGen C1568247, MONDO:0010168, OMIM 276900.

Submission:

Myriad Genetics, Inc.
Classification: Likely pathogenic for Usher syndrome type 1. Last evaluated: 2020-01-06. Review status: criteria provided, single submitter. Criteria: Myriad Women's Health Autosomal Recessive and X-Linked Classification Criteria (2019). Collection method: clinical testing. Allele origin: unknown.
Comment: NM_000260.3(MYO7A):c.103C>T(Q35*) is expected to be pathogenic in the context of MYO7A-related disorders. This variant is predicted to lead to an abnormal or absent protein product due to the creation of a premature termination codon in MYO7A, a gene where loss-of-function variants are known to be pathogenic. Please note: this variant was assessed in the context of healthy population screening.

NM_000260.4(MYO7A):c.103C>T (p.Gln35Ter)

Gene: MYO7A (myosin VIIA; plus strand). Cytogenetic location: 11q13.5.
Variant type: single nucleotide variant.
Coding change: c.103C>T on transcript NM_000260.4 (MANE Select); coding-DNA position 103, C replaced by T.
Protein change: p.Gln35Ter; replaces glutamine 35 with a stop codon.
Molecular consequence: nonsense.
Genome position (GRCh38, 1-based): chr11:77,142,793, C>T. VCF-style: chr11-77142793-C-T. GRCh37 (hg19) VCF-style: chr11-76853839-C-T.
Other names: c.103C>T, p.Gln35Ter (NM_001127180.2); c.70C>T, p.Gln24Ter (NM_001369365.1); short protein forms Q24*, Q35*.
Identifiers: ClinVar variation 984276 (VCV000984276.3), dbSNP rs1951307710, ClinGen allele CA381926455.
Genomic context (GRCh38, chr11:77,142,793, plus strand): 5'-AGATTGGGGCAGGAGTTCGACGTGCCCATCGGGGCGGTGGTGAAGCTCTGCGACTCTGGG[C>T]AGGTCCAGGTGGTGGATGATGAAGACAATGTGAGTAGTCCCCTCCCTCCTCCTGCCCCAT-3'